The following is an entry in ClinVar:

ClinVar aggregate classification (germline): Conflicting classifications of pathogenicity. Review status: criteria provided, conflicting classifications (1 of 4 stars). 8 submissions from 8 submitters: Likely pathogenic (1); Uncertain significance (2); Likely benign (3). 2 of the submissions do not count toward it. Last evaluated 2025-12-13.

Conditions:
Coronary heart disease. Identifiers: MedGen C0010068.
Cardiovascular phenotype. Identifiers: MedGen CN230736.
Apolipoprotein c-III deficiency. Identifiers: MedGen C3151467, MONDO:0013534, OMIM 614028.

Allele frequency attached by ClinVar (database versions not stated): 1000 Genomes Project 30x 0.00062; 1000 Genomes Project 0.00080; ExAC 0.00137; gnomAD exomes 0.00141; ESP Exome Variant Server 0.00146; TOPMed 0.00151; gnomAD 0.00152 and 0.00153.
gnomAD v4.1: 3,140 of 1,613,856 alleles (0.19%); highest among the groups gnomAD compares: Non-Finnish European, 0.23%; 4 homozygotes.

Submissions (9):

Labcorp Genetics (formerly Invitae), Labcorp
Classification: Likely benign. Last evaluated: 2025-12-13. Review status: criteria provided, single submitter. Criteria: Invitae Variant Classification Sherloc (09022015). Collection method: clinical testing. Allele origin: germline.

GeneDx
Classification: Uncertain significance. Last evaluated: 2024-07-09. Review status: criteria provided, single submitter. Criteria: GeneDx Variant Classification Process June 2021. Collection method: clinical testing. Allele origin: germline. Affected: yes.
Comment: Identified in individuals with increased plasma HDL cholesterol levels and reduced triglyceride levels which may confer a reduction in the risk for heart disease (PMID: 23685560, 23701270, 24941082, 25225788, 24941081, 28008009, 27114411, 27146844, 30255797, 34834584, 35460704, 36325899); Canonical splice site variant; heterozygous loss-of-function variants in the APOC3 gene have been reported in association with hypotriglyceridemia and protection against cardiovascular disease; This variant is associated with the following publications: (PMID: 23701270, 25225788, 24941082, 28008009, 27114411, 30405126, 30255797, 27146844, 29348120, 31589614, 34426522, 34662886, 31345219, 24941081, 32041611, 28787443, 23685560, 34834584, 33059327, 36325899, 35460704, 36220816)

Ambry Genetics
Classification: Likely benign for Cardiovascular phenotype. Last evaluated: 2024-04-02. Review status: criteria provided, single submitter. Criteria: Ambry Variant Classification Scheme 2023. Collection method: clinical testing. Allele origin: germline.

Women's Health and Genetics/Laboratory Corporation of America, LabCorp
Classification: Likely benign. Last evaluated: 2023-07-24. Review status: criteria provided, single submitter. Criteria: LabCorp Variant Classification Summary - May 2015. Collection method: clinical testing. Allele origin: germline.
Comment: Variant summary: APOC3 c.55+1G>A is located in a canonical splice-site and is predicted to affect mRNA splicing resulting in a significantly altered protein due to either exon skipping, shortening, or inclusion of intronic material. Several computational tools predict a significant impact on normal splicing: Four predict the variant abolishes a canonical 5' splicing donor site. However, these predictions have yet to be confirmed by functional studies. The variant allele was found at a frequency of 0.0014 in 250966 control chromosomes (gnomAD). The observed variant frequency is approximately 70-fold of the estimated maximal expected allele frequency for a pathogenic variant in APOC3 causing Early Onset Coronary Artery Disease phenotype (2e-05), suggesting that the variant is not associated with Early Onset Coronary Artery Disease. c.55+1G>A has been reported in the literature in association with reduced levels of triglycerides and increased levels of HDL in heterozygous individuals and was shown to result in an atheroprotective lipid profile with lowered risk of coronary heart disease (Bochem_2014, Crosby_2014, Jorgensen_2014, Timpson_2014, Goyal_2021). The following publications have been ascertained in the context of this evaluation (PMID: 23701270, 30255797, 24941081, 27114411, 32041611, 34548093, 24941082, 25225788). Three submitters have cited clinical-significance assessments for this variant to ClinVar after 2014 and classified the variant as VUS (n=2) and likely benign (n=1). Based on the evidence outlined above, the variant was classified as likely benign.

Department of Pathology and Laboratory Medicine, Sinai Health System
Classification: Uncertain significance for Apolipoprotein c-III deficiency. Last evaluated: 2022-05-05. Review status: criteria provided, single submitter. Criteria: ACMG Guidelines, 2015. Collection method: research. Allele origin: germline.

Department Of Human Genetics, Institute Of Clinical And Translational Research, Biomedical Research Center, Slovak Academy Of Sciences
Classification: Likely pathogenic for Apolipoprotein c-III deficiency. Review status: criteria provided, single submitter. Criteria: ACMG Guidelines, 2015. Collection method: research. Allele origin: germline. Inheritance: Autosomal dominant inheritance. Affected: yes. Observed: 2 variant alleles.
Comment: This APOC3 splicing variant NM_000040.3:c.55+1G>A (rs138326449) was described for the first time in PMID: 23701270 and has been associated with decreased plasma triglyceride and apoC-III levels. Normally it has been reported to show an atheroprotective effect (see also PMID: 24941081; PMID: 24941081; PMID: 25225788; PMID: 25962519; PMID: 27114411; PMID: 30255797; PMID: 32041611; PMID: 34548093). Both individuals manifested decreased TG levels (between the 10th and 25th centiles). The atheroprotective effect has not been seen in the patients, most likely because they also carried a novel ABCA1 variant NM_005502.4:c.1857_1858delinsAT, possibly responsible for their decreased HDL levels (see PMID: 36876364). This variant is listed as a disease-causing in the HGMD database (CS138510) and GnomAD Exomes Version: 4.0 indicates the frequency of ƒ = 0.00199.

ClinVar Staff, National Center for Biotechnology Information (NCBI)
Classification: protective for Coronary heart disease. Last evaluated: 2014-06-18. Review status: no assertion criteria provided. Collection method: literature only. Allele origin: germline. Affected: yes. Not counted in ClinVar's aggregate classification.

Dr. Peter K. Rogan Lab, Western University
No classification provided (evidence only). Condition: Clear cell carcinoma of kidney. Review status: no classification provided. Collection method: in vitro. Allele origin: not applicable. Functional consequence: skipped exon, retained intron. Not counted in ClinVar's aggregate classification.

OMIM
Classification: Pathogenic for APOLIPOPROTEIN C-III DEFICIENCY. Last evaluated: 2014-07-03. Review status: flagged submission. Collection method: literature only. Allele origin: germline. Not counted in ClinVar's aggregate classification.
ClinVar note: Reason: Claim with insufficient supporting evidence

Literature cited by the submitters: PubMed 24941081 (cited by 3 submitters); PubMed 32041611 (cited by Women's Health and Genetics/Laboratory Corporation of America, LabCorp); PubMed 23701270 (cited by Women's Health and Genetics/Laboratory Corporation of America, LabCorp and Department Of Human Genetics, Institute Of Clinical And Translational Research, Biomedical Research Center, Slovak Academy Of Sciences); PubMed 30255797 (cited by Women's Health and Genetics/Laboratory Corporation of America, LabCorp); PubMed 27114411 (cited by Women's Health and Genetics/Laboratory Corporation of America, LabCorp); PubMed 34548093 (cited by Women's Health and Genetics/Laboratory Corporation of America, LabCorp); PubMed 24941082 (cited by Women's Health and Genetics/Laboratory Corporation of America, LabCorp and OMIM); PubMed 25225788 (cited by Women's Health and Genetics/Laboratory Corporation of America, LabCorp); PubMed 36876364 (cited by Department Of Human Genetics, Institute Of Clinical And Translational Research, Biomedical Research Center, Slovak Academy Of Sciences); PubMed 25962519 (cited by OMIM).

NM_000040.3(APOC3):c.55+1G>A

Gene: APOC3 (apolipoprotein C3; plus strand). Cytogenetic location: 11q23.3.
Variant type: single nucleotide variant.
Coding change: c.55+1G>A on transcript NM_000040.3 (MANE Select); the canonical splice donor site of the intron after coding-DNA position 55, G replaced by A.
Molecular consequence: splice donor variant.
Genome position (GRCh38, 1-based): chr11:116,830,638, G>A. VCF-style: chr11-116830638-G-A. GRCh37 (hg19) VCF-style: chr11-116701354-G-A.
Other names: IVS2+1G>A; IVS2+1G-A (rs138326449).
Identifiers: ClinVar variation 139560 (VCV000139560.28), dbSNP rs138326449, ClinGen allele CA163265.